The following is an entry in ClinVar:

NM_003640.5(ELP1):c.707_711dup (p.Ala238fs)

Gene: ELP1 (elongator acetyltransferase complex subunit 1; minus strand). Cytogenetic location: 9q31.3.
Variant type: Duplication.
Coding change: c.707_711dup on transcript NM_003640.5 (MANE Select); coding-DNA positions 707 to 711, 5 bases duplicated (CTGTG; older notation c.707_711dupCTGTG).
Protein change: p.Ala238fs; shifts the reading frame from alanine 238.
Molecular consequence: frameshift variant. On other transcripts: intron variant (1).
Genome position (GRCh38, 1-based): chr9:108,918,840-108,918,844, CACAG duplicated on the plus strand (CTGTG on the coding strand, the reverse complement: ELP1 is on the minus strand). VCF-style (leftmost placement, unchanged base first): chr9-108918839-C-CCACAG. GRCh37 (hg19) VCF-style: chr9-111681119-C-CCACAG.
Other names: c.707_711dupCTGTG (NM_003640.4); c.365_369dup, p.Ala124fs (NM_001318360.2); c.-307-1174_-307-1170dup (NM_001330749.2); short protein forms A124fs, A238fs.
Identifiers: ClinVar variation 1069416 (VCV001069416.9), dbSNP rs1390547777, ClinGen allele CA858473995.

ClinVar aggregate classification (germline): Pathogenic/Likely pathogenic. Review status: criteria provided, multiple submitters, no conflicts (2 of 4 stars). 3 submissions from 3 submitters: Pathogenic (1); Likely pathogenic (2). Last evaluated 2024-12-17.

Conditions:
Medulloblastoma (MDB). Also called: MEDULLOBLASTOMA PREDISPOSITION SYNDROME; Medulloblastoma, somatic. Identifiers: Orphanet 616, MedGen C0025149, MeSH D008527, MONDO:0007959, OMIM 155255, HP:0002885.
Familial dysautonomia. Also called: HSAN III; FD. Identifiers: Orphanet 1764, MedGen C0013364, MONDO:0009131, OMIM 223900. Disease mechanism: loss of function.

Allele frequency attached by ClinVar (database versions not stated): TOPMed below 0.00001; gnomAD 0.00001.

Submissions (3):

Natera, Inc.
Classification: Likely pathogenic for Familial dysautonomia. Last evaluated: 2024-12-17. Review status: criteria provided, single submitter. Criteria: Natera Variant Classification Schema (03/2026). Collection method: clinical testing. Allele origin: germline.
Comment: The c.707_711dupCTGTG variant in ELP1 is a frameshift variant predicted to shift the reading frame beginning at codon 238 and leads to a stop codon 17 codons downstream. This variant is expected to result in nonsense mediated decay, truncation, or a dysfunctional protein product. This variant is rare in the general population with a frequency below the threshold expected for the associated phenotype(s). Given the available evidence, this variant is classified as Likely Pathogenic.

Fulgent Genetics
Classification: Likely pathogenic for Medulloblastoma; Familial dysautonomia. Last evaluated: 2024-01-22. Review status: criteria provided, single submitter. Criteria: ACMG Guidelines, 2015. Collection method: clinical testing. Allele origin: germline.

Labcorp Genetics (formerly Invitae), Labcorp
Classification: Pathogenic. Last evaluated: 2022-12-06. Review status: criteria provided, single submitter. Criteria: Invitae Variant Classification Sherloc (09022015). Collection method: clinical testing. Allele origin: germline.
Comment: This sequence change creates a premature translational stop signal (p.Ala238Leufs*17) in the ELP1 gene. It is expected to result in an absent or disrupted protein product. Loss-of-function variants in ELP1 are known to be pathogenic (PMID: 18303054, 24173031). This variant is not present in population databases (gnomAD no frequency). This variant has not been reported in the literature in individuals affected with ELP1-related conditions. ClinVar contains an entry for this variant (Variation ID: 1069416). For these reasons, this variant has been classified as Pathogenic.

Literature cited by the submitters: PubMed 18303054 (cited by Labcorp Genetics (formerly Invitae), Labcorp); PubMed 24173031 (cited by Labcorp Genetics (formerly Invitae), Labcorp).